The following is an entry in ClinVar:

NM_001244008.2(KIF1A):c.5022-16CT[5]

Gene: KIF1A (kinesin family member 1A; minus strand). Cytogenetic location: 2q37.3.
Variant type: Microsatellite.
Coding change: c.5022-16CT[5] on transcript NM_001244008.2 (MANE Select); five copies in a row of the 2-base unit CT starting at c.5022-16; the reference has four copies in a row; one copy, 2 bases duplicated.
Molecular consequence: intron variant.
Genome position (GRCh38, 1-based): chr2:240,719,207-240,719,208, AG duplicated on the plus strand (CT on the coding strand, the reverse complement: KIF1A is on the minus strand); duplicating any 2 consecutive bases within chr2:240,719,207-240,719,214 gives the same sequence; the position shown is the placement nearest the transcript's 3' end. VCF-style (leftmost placement, unchanged base first): chr2-240719206-C-CAG. GRCh37 (hg19) VCF-style: chr2-241658623-C-CAG.
Other names: c.4719-10_4719-9dupCT (NM_004321.8); c.4719-16CT[5] (NM_001379653.1, NM_001379650.1, NM_001379641.1 and 2 more transcripts); c.4995-16CT[5] (NM_001379645.1, NM_001379633.1); c.4845-16CT[5] (NM_001379635.1, NM_001379646.1); c.4716-16CT[5] (NM_001379640.1); c.4743-16CT[5] (NM_001379639.1); c.4746-16CT[5] (NM_001379649.1, NM_001320705.2); c.4833-16CT[5] (NM_001379636.1); and 8 more.
Identifiers: ClinVar variation 2637674 (VCV002637674.4), dbSNP rs762996115, ClinGen allele CA766937999.

ClinVar aggregate classification (germline): Likely benign. Review status: criteria provided, multiple submitters, no conflicts (2 of 4 stars). 2 submissions from 2 submitters: Likely benign (2). Last evaluated 2023-10-11.

Conditions:
Hereditary spastic paraplegia 30. Identifiers: Orphanet 101010, MedGen C5235139, MONDO:0012476.
Neuropathy, hereditary sensory, type 2C. Also called: KIF1A-Related HSAN2 (HSAN2C); Hereditary sensory and autonomic neuropathy type IIC. Identifiers: Orphanet 970, MedGen C3280168, MONDO:0013634, OMIM 614213.
Intellectual disability, autosomal dominant 9 (NESCAVS). Also called: NESCAV SYNDROME; KIF1A-Related Neurodevelopmental Disorder. Identifiers: Orphanet 662367, MedGen C5393830, MONDO:0013656, OMIM 614255.

Submissions (2):

Women's Health and Genetics/Laboratory Corporation of America, LabCorp
Classification: Likely benign. Last evaluated: 2023-10-11. Review status: criteria provided, single submitter. Criteria: LabCorp Variant Classification Summary - May 2015. Collection method: clinical testing. Allele origin: germline.
Comment: Variant summary: KIF1A c.4719-10_4719-9dupCT alters a nucleotide located at a position not widely known to affect splicing. Consensus agreement among computation tools predict no significant impact on normal splicing. However, these predictions have yet to be confirmed by functional studies. The variant was absent in 237354 control chromosomes (gnomAD). The available data on variant occurrences in the general population are insufficient to allow any conclusion about variant significance. To our knowledge, no occurrence of c.4719-10_4719-9dupCT in individuals affected with NESCAV Syndrome and no experimental evidence demonstrating its impact on protein function have been reported. No submitters have cited clinical-significance assessments for this variant to ClinVar after 2014. Based on the evidence outlined above, the variant was classified as likely benign.

Labcorp Genetics (formerly Invitae), Labcorp
Classification: Likely benign for Hereditary spastic paraplegia 30; Neuropathy, hereditary sensory, type 2C; Intellectual disability, autosomal dominant 9. Last evaluated: 2023-01-24. Review status: criteria provided, single submitter. Criteria: Invitae Variant Classification Sherloc (09022015). Collection method: clinical testing. Allele origin: germline.